The following is an entry in ClinVar:

ClinVar aggregate classification (germline): Uncertain significance (1 of 4 stars; one submission).

Submission:

Labcorp Genetics (formerly Invitae), Labcorp
Classification: Uncertain significance. Last evaluated: 2022-03-25. Review status: criteria provided, single submitter. Criteria: Invitae Variant Classification Sherloc (09022015). Collection method: clinical testing. Allele origin: germline.
Comment: In summary, the available evidence is currently insufficient to determine the role of this variant in disease. Therefore, it has been classified as a Variant of Uncertain Significance. Experimental studies and prediction algorithms are not available or were not evaluated, and the functional significance of this variant is currently unknown. This variant has not been reported in the literature in individuals affected with NECTIN1-related conditions. The frequency data for this variant in the population databases is considered unreliable, as metrics indicate poor data quality at this position in the gnomAD database. This variant, c.1328_1333del, results in the deletion of 2 amino acid(s) of the NECTIN1 protein (p.Glu443_Glu444del), but otherwise preserves the integrity of the reading frame.

NM_002855.5(NECTIN1):c.1310AGG[6] (p.Glu443_Glu444del)

Gene: NECTIN1 (nectin cell adhesion molecule 1; minus strand). Cytogenetic location: 11q23.3.
Variant type: Microsatellite.
Coding change: c.1310AGG[6] on transcript NM_002855.5 (MANE Select); six copies in a row of the 3-base unit AGG starting at c.1310; the reference has eight copies in a row; two copies, 6 bases deleted.
Protein change: p.Glu443_Glu444del.
Molecular consequence: inframe deletion. On other transcripts: intron variant (1).
Genome position (GRCh38, 1-based): chr11:119,664,968-119,664,973, CCTCCT deleted on the plus strand (AGGAGG on the coding strand, the reverse complement: NECTIN1 is on the minus strand); deleting any 6 consecutive bases within chr11:119,664,968-119,664,992 gives the same sequence; the position shown is the placement nearest the transcript's 3' end. VCF-style (leftmost placement, unchanged base first): chr11-119664967-CCCTCCT-C. GRCh37 (hg19) VCF-style: chr11-119535677-CCCTCCT-C.
Other names: c.1003+10168AGG[6] (NM_203285.2).
Identifiers: ClinVar variation 2074537 (VCV002074537.2), dbSNP rs137909701, ClinGen allele CA6321812.